The following is an entry in ClinVar:

ClinVar aggregate classification (germline): Uncertain significance (1 of 4 stars; one submission).

Conditions:
Nemaline myopathy 2 (NEM2). Also called: Nemaline myopathy 2, autosomal recessive. Identifiers: MedGen C1850569, MONDO:0009725, OMIM 256030.

Submission:

Myriad Genetics, Inc.
Classification: Uncertain significance for Nemaline myopathy 2. Last evaluated: 2026-02-02. Review status: criteria provided, single submitter. Criteria: Myriad Autosomal Dominant, Autosomal Recessive and X-Linked Classification Criteria (2023). Collection method: clinical testing. Allele origin: unknown.
Comment: NM_001271208.1(NEB):c.23755_23757delGTG(V7919del) is an in-frame deletion classified as a variant of uncertain significance in the context of NEB-related nemaline myopathy. V7919del has not been observed in cases with relevant disease. Relevant functional assessments of this variant are not available in the literature. V7919del has not been observed in referenced population frequency databases. In summary, there is insufficient evidence to classify NM_001271208.1(NEB):c.23755_23757delGTG(V7919del) as pathogenic or benign. Please note: this variant was assessed in the context of healthy population screening.

NC_000002.12:g.151505569_151505571del

Genes: NEB (nebulin; minus strand), RIF1 (replication timing regulatory factor 1; plus strand). Cytogenetic location: 2q23.3.
Variant type: Deletion.
Genome position: GRCh38 VCF-style: chr2-151505567-TCAC-T. GRCh37 (hg19) VCF-style: chr2-152362081-TCAC-T.
Identifiers: ClinVar variation 5004441 (VCV005004441.1).